The following is an entry in ClinVar:

ClinVar aggregate classification (germline): Uncertain significance (1 of 4 stars; one submission).

Submission:

Labcorp Genetics (formerly Invitae), Labcorp
Classification: Uncertain significance. Last evaluated: 2022-08-16. Review status: criteria provided, single submitter. Criteria: Invitae Variant Classification Sherloc (09022015). Collection method: clinical testing. Allele origin: germline.
Comment: This sequence change falls in intron 2 of the P3H2 gene. It does not directly change the encoded amino acid sequence of the P3H2 protein. It affects a nucleotide within the consensus splice site. This variant is not present in population databases (gnomAD no frequency). This variant has not been reported in the literature in individuals affected with P3H2-related conditions. Variants that disrupt the consensus splice site are a relatively common cause of aberrant splicing (PMID: 17576681, 9536098). Algorithms developed to predict the effect of sequence changes on RNA splicing suggest that this variant is not likely to affect RNA splicing. In summary, the available evidence is currently insufficient to determine the role of this variant in disease. Therefore, it has been classified as a Variant of Uncertain Significance.

Literature cited by the submitters: PubMed 17576681; PubMed 9536098.

NM_018192.4(P3H2):c.634-3C>T

Gene: P3H2 (prolyl 3-hydroxylase 2; minus strand). Cytogenetic location: 3q28.
Variant type: single nucleotide variant.
Coding change: c.634-3C>T on transcript NM_018192.4 (MANE Select); 3 bases into the intron before coding-DNA position 634, C replaced by T.
Molecular consequence: intron variant.
Genome position (GRCh38, 1-based): chr3:189,994,286, G>A on the plus strand (C>T on the coding strand, the complement: P3H2 is on the minus strand). VCF-style: chr3-189994286-G-A. GRCh37 (hg19) VCF-style: chr3-189712075-G-A.
Other names: c.91-3C>T (NM_001134418.2).
Identifiers: ClinVar variation 1955124 (VCV001955124.5), dbSNP rs2473828217, ClinGen allele CA2580070528.
Genomic context (GRCh38, chr3:189,994,286, plus strand): 5'-TGATAGCCATCTCAAAGTCATCAGCCTCATAATGTTTAACTCCTGCATTGTAACTCTCCT[G>A]TAATGAAACAGACGGGAAAAAACAAACAAACAAACAAACAAACAAACAAAAAAACCCTTA-3'